The following is an entry in ClinVar:

ClinVar aggregate classification (germline): Uncertain significance (1 of 4 stars; one submission).

gnomAD v4.1: 7 of 1,614,146 alleles (0.00043%); highest among the groups gnomAD compares: South Asian, 0.0077%; 1 homozygote.

Submission:

Labcorp Genetics (formerly Invitae), Labcorp
Classification: Uncertain significance. Last evaluated: 2024-03-20. Review status: criteria provided, single submitter. Criteria: Invitae Variant Classification Sherloc (09022015). Collection method: clinical testing. Allele origin: germline.
Comment: This sequence change replaces lysine, which is basic and polar, with arginine, which is basic and polar, at codon 26 of the TAOK2 protein (p.Lys26Arg). This variant is present in population databases (rs777116231, gnomAD 0.003%). This variant has not been reported in the literature in individuals affected with TAOK2-related conditions. An algorithm developed to predict the effect of missense changes on protein structure and function (PolyPhen-2) suggests that this variant is likely to be tolerated. In summary, the available evidence is currently insufficient to determine the role of this variant in disease. Therefore, it has been classified as a Variant of Uncertain Significance.

NM_016151.4(TAOK2):c.77A>G (p.Lys26Arg)

Gene: TAOK2 (TAO kinase 2; plus strand). Cytogenetic location: 16p11.2.
Variant type: single nucleotide variant.
Coding change: c.77A>G on transcript NM_016151.4 (MANE Select); coding-DNA position 77, A replaced by G.
Protein change: p.Lys26Arg; replaces lysine 26 with arginine.
Molecular consequence: missense variant.
Genome position (GRCh38, 1-based): chr16:29,977,849, A>G. VCF-style: chr16-29977849-A-G. GRCh37 (hg19) VCF-style: chr16-29989170-A-G.
Other names: c.77A>G, p.Lys26Arg (NM_001252043.2, NM_004783.4); short protein forms K26R.
Identifiers: ClinVar variation 3625804 (VCV003625804.2).